The following is an entry in ClinVar:

ClinVar aggregate classification (germline): Conflicting classifications of pathogenicity. Review status: criteria provided, conflicting classifications (1 of 4 stars). 3 submissions from 3 submitters: Uncertain significance (1); Likely benign (2). Last evaluated 2025-03-05.

Conditions:
NEB-related disorder. Also called: NEB-Related Disorders; NEB-related condition.
Nemaline myopathy 2 (NEM2). Also called: Nemaline myopathy 2, autosomal recessive. Identifiers: MedGen C1850569, MONDO:0009725, OMIM 256030.

Allele frequency attached by ClinVar (database versions not stated): gnomAD exomes 0.00002; ExAC 0.00004; gnomAD 0.00004; TOPMed 0.00005.
gnomAD v4.1: 35 of 1,590,056 alleles (0.0022%); highest among the groups gnomAD compares: African/African-American, 0.008%; no homozygotes.

Submissions (3):

PreventionGenetics, part of Exact Sciences
Classification: Likely benign for NEB-related condition. Last evaluated: 2025-03-05. Review status: criteria provided, single submitter. Criteria: ACMG Guidelines, 2015. Collection method: clinical testing. Allele origin: germline.
Comment: This variant is classified as likely benign based on ACMG/AMP sequence variant interpretation guidelines (Richards et al. 2015 PMID: 25741868, with internal and published modifications).

Labcorp Genetics (formerly Invitae), Labcorp
Classification: Uncertain significance for Nemaline myopathy 2. Last evaluated: 2022-03-09. Review status: criteria provided, single submitter. Criteria: Invitae Variant Classification Sherloc (09022015). Collection method: clinical testing. Allele origin: germline.
Comment: This sequence change affects codon 384 of the NEB mRNA. It is a 'silent' change, meaning that it does not change the encoded amino acid sequence of the NEB protein. It affects a nucleotide within the consensus splice site. This variant is present in population databases (rs767328072, gnomAD 0.009%). This variant has not been reported in the literature in individuals affected with NEB-related conditions. ClinVar contains an entry for this variant (Variation ID: 570457). Algorithms developed to predict the effect of sequence changes on RNA splicing suggest that this variant is not likely to affect RNA splicing. In summary, the available evidence is currently insufficient to determine the role of this variant in disease. Therefore, it has been classified as a Variant of Uncertain Significance.

GeneDx
Classification: Likely benign. Last evaluated: 2018-06-18. Review status: criteria provided, single submitter. Criteria: GeneDx Variant Classification (06012015). Collection method: clinical testing. Allele origin: germline. Affected: yes.
Comment: This variant is considered likely benign or benign based on one or more of the following criteria: it is a conservative change, it occurs at a poorly conserved position in the protein, it is predicted to be benign by multiple in silico algorithms, and/or has population frequency not consistent with disease.

NM_001164508.2(NEB):c.1152C>T (p.Asp384=)

Gene: NEB (nebulin; minus strand). Cytogenetic location: 2q23.3.
Variant type: single nucleotide variant.
Coding change: c.1152C>T on transcript NM_001164508.2 (MANE Select); coding-DNA position 1152, C replaced by T.
Protein change: p.Asp384=; no amino-acid change (aspartic acid 384 retained).
Molecular consequence: synonymous variant.
Genome position (GRCh38, 1-based): chr2:151,706,881, G>A on the plus strand (C>T on the coding strand, the complement: NEB is on the minus strand). VCF-style: chr2-151706881-G-A. GRCh37 (hg19) VCF-style: chr2-152563395-G-A.
Other names: c.1152C>T, p.Asp384= (NM_001164507.2, NM_001271208.2, NM_004543.5).
Identifiers: ClinVar variation 570457 (VCV000570457.5), dbSNP rs767328072, ClinGen allele CA1911684.